The following is an entry in ClinVar:

NM_152383.5(DIS3L2):c.1159G>T (p.Ala387Ser)

Gene: DIS3L2 (DIS3 like 3'-5' exoribonuclease 2; plus strand). Cytogenetic location: 2q37.1.
Variant type: single nucleotide variant.
Coding change: c.1159G>T on transcript NM_152383.5 (MANE Select); coding-DNA position 1159, G replaced by T.
Protein change: p.Ala387Ser; replaces alanine 387 with serine.
Molecular consequence: missense variant. On other transcripts: non-coding transcript variant (2).
Genome position (GRCh38, 1-based): chr2:232,210,360, G>T. VCF-style: chr2-232210360-G-T. GRCh37 (hg19) VCF-style: chr2-233075070-G-T.
Other names: c.1159G>T, p.Ala387Ser (NM_001257281.2); short protein forms A387S.
Identifiers: ClinVar variation 2859181 (VCV002859181.3), dbSNP rs760452178, ClinGen allele CA2164052.

ClinVar aggregate classification (germline): Uncertain significance (1 of 4 stars; one submission).

Conditions:
Perlman syndrome (PRLMNS). Identifiers: Orphanet 2849, MedGen C0796113, MONDO:0009965, OMIM 267000.

Allele frequency attached by ClinVar (database versions not stated): ExAC 0.00002.
gnomAD v4.1: 9 of 1,613,466 alleles (0.00056%); highest among the groups gnomAD compares: South Asian, 0.0011%; no homozygotes.

Submission:

Labcorp Genetics (formerly Invitae), Labcorp
Classification: Uncertain significance for Perlman syndrome. Last evaluated: 2023-07-25. Review status: criteria provided, single submitter. Criteria: Invitae Variant Classification Sherloc (09022015). Collection method: clinical testing. Allele origin: germline.
Comment: This sequence change replaces alanine, which is neutral and non-polar, with serine, which is neutral and polar, at codon 387 of the DIS3L2 protein (p.Ala387Ser). This variant is present in population databases (rs760452178, gnomAD 0.006%). This variant has not been reported in the literature in individuals affected with DIS3L2-related conditions. Advanced modeling of protein sequence and biophysical properties (such as structural, functional, and spatial information, amino acid conservation, physicochemical variation, residue mobility, and thermodynamic stability) performed at Invitae indicates that this missense variant is not expected to disrupt DIS3L2 protein function. In summary, the available evidence is currently insufficient to determine the role of this variant in disease. Therefore, it has been classified as a Variant of Uncertain Significance.